The following is an entry in ClinVar:

ClinVar aggregate classification (germline): Uncertain significance (1 of 4 stars; one submission).

Conditions:
AHDC1-related intellectual disability - obstructive sleep apnea - mild dysmorphism syndrome. Also called: Xia-Gibbs syndrome. Identifiers: Orphanet 412069, MedGen C4014419, MONDO:0014358, OMIM 615829.

Allele frequency attached by ClinVar (database versions not stated): TOPMed below 0.00001; gnomAD 0.00001; gnomAD exomes 0.00001.
gnomAD v4.1: 18 of 1,613,428 alleles (0.0011%); highest among the groups gnomAD compares: Admixed American, 0.0017%; no homozygotes.

Submission:

Baylor Genetics
Classification: Uncertain significance for AHDC1-related intellectual disability - obstructive sleep apnea - mild dysmorphism syndrome. Last evaluated: 2020-01-14. Review status: criteria provided, single submitter. Criteria: ACMG Guidelines, 2015. Collection method: clinical testing. Allele origin: unknown. Affected: yes.
Comment: This variant was determined to be of uncertain significance according to ACMG Guidelines, 2015 [PMID:25741868].

NM_001371928.1(AHDC1):c.3539G>T (p.Gly1180Val)

Gene: AHDC1 (AT-hook DNA binding motif containing 1; minus strand). Cytogenetic location: 1p36.11.
Variant type: single nucleotide variant.
Coding change: c.3539G>T on transcript NM_001371928.1 (MANE Select); coding-DNA position 3539, G replaced by T.
Protein change: p.Gly1180Val; replaces glycine 1180 with valine.
Molecular consequence: missense variant.
Genome position (GRCh38, 1-based): chr1:27,548,577, C>A on the plus strand (G>T on the coding strand, the complement: AHDC1 is on the minus strand). VCF-style: chr1-27548577-C-A. GRCh37 (hg19) VCF-style: chr1-27875088-C-A.
Other names: c.3539G>T, p.Gly1180Val (NM_001029882.3); short protein forms G1180V.
Identifiers: ClinVar variation 1030032 (VCV001030032.1), dbSNP rs2019324481, ClinGen allele CA339226124.